The following is an entry in ClinVar:

NM_182916.3(TRNT1):c.743G>A (p.Gly248Asp)

Gene: TRNT1 (tRNA nucleotidyl transferase 1; plus strand). Cytogenetic location: 3p26.2.
Variant type: single nucleotide variant.
Coding change: c.743G>A on transcript NM_182916.3 (MANE Select); coding-DNA position 743, G replaced by A.
Protein change: p.Gly248Asp; replaces glycine 248 with aspartic acid.
Molecular consequence: missense variant. On other transcripts: non-coding transcript variant (6), splice donor variant (1).
Genome position (GRCh38, 1-based): chr3:3,146,564, G>A. VCF-style: chr3-3146564-G-A. GRCh37 (hg19) VCF-style: chr3-3188248-G-A.
Other names: c.743G>A, p.Gly248Asp (NM_001367321.1, NM_001367322.1, NM_001367323.1); c.742+1G>A (NM_001302946.2); short protein forms G248D.
Identifiers: ClinVar variation 4847862 (VCV004847862.1).

ClinVar aggregate classification (germline): Uncertain significance (1 of 4 stars; one submission).

gnomAD v4.1: 7 of 1,613,790 alleles (0.00043%); highest among the groups gnomAD compares: African/African-American, 0.0067%; no homozygotes.

Submission:

Women's Health and Genetics/Laboratory Corporation of America, LabCorp
Classification: Uncertain significance. Last evaluated: 2026-02-13. Review status: criteria provided, single submitter. Criteria: LabCorp Variant Classification Summary - May 2015. Collection method: clinical testing. Allele origin: germline.
Comment: Variant summary: TRNT1 c.743G>A (p.Gly248Asp) results in a non-conservative amino acid change in the encoded protein sequence. Algorithms developed to predict the effect of missense changes on protein structure and function are either unavailable or do not agree on the potential impact of this missense change. The variant allele was found at a frequency of 1.6e-05 in 251254 control chromosomes. The available data on variant occurrences in the general population are insufficient to allow any conclusion about variant significance. To our knowledge, no occurrence of c.743G>A in individuals affected with TRNT1-related conditions and no experimental evidence demonstrating its impact on protein function have been reported. No submitters have cited clinical-significance assessments for this variant to ClinVar. Based on the evidence outlined above, the variant was classified as uncertain significance.